The following is an entry in ClinVar:

ClinVar aggregate classification (germline): Uncertain significance. Review status: criteria provided, multiple submitters, no conflicts (2 of 4 stars). 2 submissions from 2 submitters: Uncertain significance (2). Last evaluated 2024-09-01.

Conditions:
DICER1-related tumor predisposition. Also called: DICER1-related pleuropulmonary blastoma cancer predisposition syndrome; DICER1 syndrome. Identifiers: Orphanet 284343, MedGen C3839822, MONDO:0100216.
Hereditary cancer-predisposing syndrome. Also called: Tumor predisposition; Hereditary Cancer Syndrome; Neoplastic Syndromes, Hereditary; Hereditary neoplastic syndrome. Identifiers: Orphanet 140162, MedGen C0027672, MeSH D009386, MONDO:0015356.

gnomAD v4.1: 2 of 1,613,920 alleles (0.00012%); highest among the groups gnomAD compares: Non-Finnish European, 0.00017%; no homozygotes.

Submissions (2):

Ambry Genetics
Classification: Uncertain significance for Hereditary cancer-predisposing syndrome. Last evaluated: 2024-09-01. Review status: criteria provided, single submitter. Criteria: Ambry Variant Classification Scheme 2023. Collection method: clinical testing. Allele origin: germline.
Comment: The p.D407N variant (also known as c.1219G>A), located in coding exon 7 of the DICER1 gene, results from a G to A substitution at nucleotide position 1219. The aspartic acid at codon 407 is replaced by asparagine, an amino acid with highly similar properties. This amino acid position is conserved. In addition, this alteration is predicted to be tolerated by in silico analysis. Based on the available evidence, the clinical significance of this variant remains unclear.

Labcorp Genetics (formerly Invitae), Labcorp
Classification: Uncertain significance for DICER1-related tumor predisposition. Last evaluated: 2022-12-07. Review status: criteria provided, single submitter. Criteria: Invitae Variant Classification Sherloc (09022015). Collection method: clinical testing. Allele origin: germline.
Comment: In summary, the available evidence is currently insufficient to determine the role of this variant in disease. Therefore, it has been classified as a Variant of Uncertain Significance. Algorithms developed to predict the effect of missense changes on protein structure and function are either unavailable or do not agree on the potential impact of this missense change (SIFT: "Deleterious"; PolyPhen-2: "Probably Damaging"; Align-GVGD: "Class C0"). ClinVar contains an entry for this variant (Variation ID: 1009755). This variant has not been reported in the literature in individuals affected with DICER1-related conditions. This variant is not present in population databases (gnomAD no frequency). This sequence change replaces aspartic acid, which is acidic and polar, with asparagine, which is neutral and polar, at codon 407 of the DICER1 protein (p.Asp407Asn).

NM_177438.3(DICER1):c.1219G>A (p.Asp407Asn)

Gene: DICER1 (dicer 1, ribonuclease III; minus strand). Cytogenetic location: 14q32.13.
Variant type: single nucleotide variant.
Coding change: c.1219G>A on transcript NM_177438.3 (MANE Select); coding-DNA position 1219, G replaced by A.
Protein change: p.Asp407Asn; replaces aspartic acid 407 with asparagine.
Molecular consequence: missense variant.
Genome position (GRCh38, 1-based): chr14:95,124,353, C>T on the plus strand (G>A on the coding strand, the complement: DICER1 is on the minus strand). VCF-style: chr14-95124353-C-T. GRCh37 (hg19) VCF-style: chr14-95590690-C-T.
Other names: c.1219G>A, p.Asp407Asn (NM_001195573.1, NM_001271282.3, NM_001291628.2 and 1 more transcripts); c.1219G>A (NM_177438.2); short protein forms D407N.
Identifiers: ClinVar variation 1009755 (VCV001009755.11), dbSNP rs1893204441, ClinGen allele CA390886646.
Genomic context (GRCh38, chr14:95,124,353, plus strand): 5'-TTTCTTCAATTTCTTCATCCTCATCATCATCCTCAGAATCACTCCATGACACATAATTAT[C>T]CTGATTTCTATTATTATACCACTCAACGCTTTCAAACTGCTGTCGCTCATATGGTTTATA-3'
Protein context (NP_803187.1, residues 397-417): SVEWYNNRNQ[Asp407Asn]NYVSWSDSED